The following is an entry in ClinVar:

NM_003902.5(FUBP1):c.1801A>G (p.Thr601Ala)

Gene: FUBP1 (far upstream element binding protein 1; minus strand). Cytogenetic location: 1p31.1.
Variant type: single nucleotide variant.
Coding change: c.1801A>G on transcript NM_003902.5 (MANE Select); coding-DNA position 1801, A replaced by G.
Protein change: p.Thr601Ala; replaces threonine 601 with alanine.
Molecular consequence: missense variant. On other transcripts: non-coding transcript variant (5).
Genome position (GRCh38, 1-based): chr1:77,949,280, T>C on the plus strand (A>G on the coding strand, the complement: FUBP1 is on the minus strand). VCF-style: chr1-77949280-T-C. GRCh37 (hg19) VCF-style: chr1-78414965-T-C.
Other names: c.1864A>G, p.Thr622Ala (NM_001303433.2); c.1861A>G, p.Thr621Ala (NM_001376055.1); c.1798A>G, p.Thr600Ala (NM_001376056.1, NM_001376057.1); short protein forms T601A, T622A, T600A, T621A.
Identifiers: ClinVar variation 134459 (VCV000134459.1), dbSNP rs587778376, ClinGen allele CA159877.

ClinVar aggregate classification (germline): not provided (0 of 4 stars; one submission).

Allele frequency attached by ClinVar (database versions not stated): ExAC 0.00002; gnomAD exomes 0.00003; TOPMed 0.00003; gnomAD 0.00004 and 0.00008.
gnomAD v4.1: 163 of 1,613,876 alleles (0.01%); highest among the groups gnomAD compares: East Asian, 0.36%; no homozygotes.

Submission:

ITMI
No classification provided. Condition: AllHighlyPenetrant. Last evaluated: 2013-09-19. Review status: no classification provided. Collection method: reference population. Allele origin: germline.
Comment: Please see associated publication for description of ethnicities

Literature cited by the submitters: PubMed 24728327.